The following is an entry in ClinVar:

ClinVar aggregate classification (germline): Uncertain significance (1 of 4 stars; one submission).

Conditions:
Ehlers-Danlos syndrome, classic type, 1 (EDSCL1). Also called: EHLERS-DANLOS SYNDROME, GRAVIS TYPE; EHLERS-DANLOS SYNDROME, SEVERE CLASSIC TYPE; Ehlers-Danlos syndrome, type 1; Ehlers-Danlos Syndrome, Classic Type, COL5A1-Related; EDS I. Identifiers: MedGen C0268335, MONDO:0019567, OMIM 130000.

Submission:

Labcorp Genetics (formerly Invitae), Labcorp
Classification: Uncertain significance for Ehlers-Danlos syndrome, classic type, 1. Last evaluated: 2024-05-06. Review status: criteria provided, single submitter. Criteria: Invitae Variant Classification Sherloc (09022015). Collection method: clinical testing. Allele origin: germline.
Comment: This sequence change replaces leucine, which is neutral and non-polar, with isoleucine, which is neutral and non-polar, at codon 568 of the COL5A2 protein (p.Leu568Ile). This variant is not present in population databases (gnomAD no frequency). This variant has not been reported in the literature in individuals affected with COL5A2-related conditions. Advanced modeling of protein sequence and biophysical properties (such as structural, functional, and spatial information, amino acid conservation, physicochemical variation, residue mobility, and thermodynamic stability) performed at Invitae indicates that this missense variant is not expected to disrupt COL5A2 protein function with a negative predictive value of 80%. In summary, the available evidence is currently insufficient to determine the role of this variant in disease. Therefore, it has been classified as a Variant of Uncertain Significance.

NM_000393.5(COL5A2):c.1702C>A (p.Leu568Ile)

Gene: COL5A2 (collagen type V alpha 2 chain; minus strand). Cytogenetic location: 2q32.2.
Variant type: single nucleotide variant.
Coding change: c.1702C>A on transcript NM_000393.5 (MANE Select); coding-DNA position 1702, C replaced by A.
Protein change: p.Leu568Ile; replaces leucine 568 with isoleucine.
Molecular consequence: missense variant.
Genome position (GRCh38, 1-based): chr2:189,064,571, G>T on the plus strand (C>A on the coding strand, the complement: COL5A2 is on the minus strand). VCF-style: chr2-189064571-G-T. GRCh37 (hg19) VCF-style: chr2-189929297-G-T.
Other names: short protein forms L568I.
Identifiers: ClinVar variation 3652360 (VCV003652360.2).